The following is an entry in ClinVar:

ClinVar aggregate classification (germline): Uncertain significance (1 of 4 stars; one submission).

Conditions:
Neuroblastoma, susceptibility to, 3. Also called: ALK-Related Neuroblastic Tumor Susceptibility. Identifiers: Orphanet 635, MedGen C2751681, MONDO:0013083, OMIM 613014.

Submission:

Labcorp Genetics (formerly Invitae), Labcorp
Classification: Uncertain significance for Neuroblastoma, susceptibility to, 3. Last evaluated: 2023-10-07. Review status: criteria provided, single submitter. Criteria: Invitae Variant Classification Sherloc (09022015). Collection method: clinical testing. Allele origin: germline.
Comment: This sequence change replaces asparagine, which is neutral and polar, with lysine, which is basic and polar, at codon 798 of the ALK protein (p.Asn798Lys). This variant is not present in population databases (gnomAD no frequency). This variant has not been reported in the literature in individuals affected with ALK-related conditions. An algorithm developed to predict the effect of missense changes on protein structure and function (PolyPhen-2) suggests that this variant is likely to be disruptive. In summary, the available evidence is currently insufficient to determine the role of this variant in disease. Therefore, it has been classified as a Variant of Uncertain Significance.

NM_004304.5(ALK):c.2394C>A (p.Asn798Lys)

Gene: ALK (ALK receptor tyrosine kinase; minus strand). Cytogenetic location: 2p23.2.
Variant type: single nucleotide variant.
Coding change: c.2394C>A on transcript NM_004304.5 (MANE Select); coding-DNA position 2394, C replaced by A.
Protein change: p.Asn798Lys; replaces asparagine 798 with lysine.
Molecular consequence: missense variant.
Genome position (GRCh38, 1-based): chr2:29,233,658, G>T on the plus strand (C>A on the coding strand, the complement: ALK is on the minus strand). VCF-style: chr2-29233658-G-T. GRCh37 (hg19) VCF-style: chr2-29456524-G-T.
Other names: short protein forms N798K.
Identifiers: ClinVar variation 2766636 (VCV002766636.3), dbSNP rs2148184583, ClinGen allele CA346472429.